The following is an entry in ClinVar:

ClinVar aggregate classification (germline): Conflicting classifications of pathogenicity. Review status: criteria provided, conflicting classifications (1 of 4 stars). 5 submissions from 5 submitters: Pathogenic (1); Likely pathogenic (2); Uncertain significance (2). Last evaluated 2026-10-04.

Conditions:
Cardiovascular phenotype. Identifiers: MedGen CN230736.
Hereditary cancer-predisposing syndrome. Also called: Tumor predisposition; Neoplastic Syndromes, Hereditary; Hereditary Cancer Syndrome; Hereditary neoplastic syndrome. Identifiers: Orphanet 140162, MedGen C0027672, MeSH D009386, MONDO:0015356.
Neurofibromatosis, type 1 (NF1). Also called: Peripheral type neurofibromatosis; Neurofibromatosis, type I; VON RECKLINGHAUSEN DISEASE; NEUROFIBROMATOSIS, TYPE I, SOMATIC. Identifiers: Orphanet 636, MedGen C0027831, MONDO:0018975, OMIM 162200. Disease mechanism: loss of function.

Submissions (5):

GeneDx
Classification: Likely pathogenic. Last evaluated: 2026-10-04. Review status: criteria provided, single submitter. Criteria: GeneDx Variant Classification Process June 2021. Collection method: clinical testing. Allele origin: germline.
Comment: Not observed at significant frequency in large population cohorts (gnomAD); In silico analysis supports that this missense variant has a deleterious effect on protein structure/function; Has not been previously published as pathogenic or benign to our knowledge

Labcorp Genetics (formerly Invitae), Labcorp
Classification: Pathogenic for Neurofibromatosis, type 1. Last evaluated: 2026-01-05. Review status: criteria provided, single submitter. Criteria: Invitae Variant Classification Sherloc (09022015). Collection method: clinical testing. Allele origin: germline.
Comment: This sequence change replaces histidine, which is basic and polar, with tyrosine, which is neutral and polar, at codon 2078 of the NF1 protein (p.His2078Tyr). This variant is not present in population databases (gnomAD no frequency). This missense change has been observed in individual(s) with clinical features of neurofibromatosis type 1 (internal data). Invitae Evidence Modeling of clinical and family history, age, sex, and reported ancestry of multiple individuals with this NF1 variant has been performed. This variant is expected to be pathogenic with a positive predictive value of at least 99%. This is a validated machine learning model that incorporates the clinical features of 1,785,918 individuals referred to our laboratory for NF1 testing. ClinVar contains an entry for this variant (Variation ID: 404611). Invitae Evidence Modeling of protein sequence and biophysical properties (such as structural, functional, and spatial information, amino acid conservation, physicochemical variation, residue mobility, and thermodynamic stability) indicates that this missense variant is expected to disrupt NF1 protein function with a positive predictive value of 80%. For these reasons, this variant has been classified as Pathogenic.

Ambry Genetics
Classification: Likely pathogenic for Cardiovascular phenotype; Hereditary cancer-predisposing syndrome. Last evaluated: 2024-11-05. Review status: criteria provided, single submitter. Criteria: Ambry Variant Classification Scheme 2023. Collection method: clinical testing. Allele origin: germline.
Comment: The p.H2078Y variant (also known as c.6232C>T), located in coding exon 41 of the NF1 gene, results from a C to T substitution at nucleotide position 6232. The histidine at codon 2078 is replaced by tyrosine, an amino acid with similar properties. This variant has been observed in at least one individual with a personal and/or family history that is consistent with Neurofibromatosis type 1 (External communication). This amino acid position is highly conserved in available vertebrate species. In addition, this alteration is predicted to be deleterious by in silico analysis. Based on the majority of available evidence to date, this variant is likely to be pathogenic.

ARUP Laboratories, Molecular Genetics and Genomics, ARUP Laboratories
Classification: Uncertain significance. Last evaluated: 2024-01-31. Review status: criteria provided, single submitter. Criteria: ARUP Molecular Germline Variant Investigation Process 2024. Collection method: clinical testing. Allele origin: germline.
Comment: The NF1 c.6295C>T; p.His2099Tyr variant (rs1060500382), to our knowledge, is not reported in the medical literature but is reported in ClinVar (Variation ID: 404611). This variant is absent from the Genome Aggregation Database (v2.1.1), indicating it is not a common polymorphism. Computational analyses predict that this variant is deleterious (REVEL: 0.727). However, given the lack of clinical and functional data, the significance of this variant is uncertain at this time.

Genome-Nilou Lab
Classification: Uncertain significance for Neurofibromatosis, type 1. Last evaluated: 2022-03-15. Review status: criteria provided, single submitter. Criteria: ACMG Guidelines, 2015. Collection method: clinical testing. Allele origin: germline. Affected: no.

NM_001042492.3(NF1):c.6295C>T (p.His2099Tyr)

Gene: NF1 (neurofibromin 1; plus strand). Cytogenetic location: 17q11.2.
Variant type: single nucleotide variant.
Coding change: c.6295C>T on transcript NM_001042492.3 (MANE Select); coding-DNA position 6295, C replaced by T.
Protein change: p.His2099Tyr; replaces histidine 2099 with tyrosine.
Molecular consequence: missense variant.
Genome position (GRCh38, 1-based): chr17:31,336,782, C>T. VCF-style: chr17-31336782-C-T. GRCh37 (hg19) VCF-style: chr17-29663800-C-T.
Other names: c.6232C>T, p.His2078Tyr (NM_000267.4); short protein forms H2099Y, H2078Y.
Identifiers: ClinVar variation 404611 (VCV000404611.20), dbSNP rs1060500382, ClinGen allele CA16615552.